The following is an entry in ClinVar:

NM_000064.4(C3):c.3365C>G (p.Ala1122Gly)

Gene: C3 (complement C3; minus strand). Cytogenetic location: 19p13.3.
Variant type: single nucleotide variant.
Coding change: c.3365C>G on transcript NM_000064.4 (MANE Select); coding-DNA position 3365, C replaced by G.
Protein change: p.Ala1122Gly; replaces alanine 1122 with glycine.
Molecular consequence: missense variant.
Genome position (GRCh38, 1-based): chr19:6,692,949, G>C on the plus strand (C>G on the coding strand, the complement: C3 is on the minus strand). VCF-style: chr19-6692949-G-C. GRCh37 (hg19) VCF-style: chr19-6692960-G-C.
Other names: short protein forms A1122G.
Identifiers: ClinVar variation 3716167 (VCV003716167.2).
Genomic context (GRCh38, chr19:6,692,949, plus strand): 5'-TCTCTTCCATTTTGCCCTAAATCCCAGCCTCTTACAATCATTTCTTGGTGTATCACGGGC[G>C]CATCCTCCTGGAAGACCCCGTCGGGCTTCTGCTTCTCCAGGATCAGCCATTTAACAGCCC-3'
Protein context (NP_000055.2, residues 1112-1132): QKPDGVFQED[Ala1122Gly]PVIHQEMIGG

ClinVar aggregate classification (germline): Uncertain significance (1 of 4 stars; one submission).

Submission:

Labcorp Genetics (formerly Invitae), Labcorp
Classification: Uncertain significance. Last evaluated: 2025-01-14. Review status: criteria provided, single submitter. Criteria: Invitae Variant Classification Sherloc (09022015). Collection method: clinical testing. Allele origin: germline.
Comment: This sequence change replaces alanine, which is neutral and non-polar, with glycine, which is neutral and non-polar, at codon 1122 of the C3 protein (p.Ala1122Gly). This variant is not present in population databases (gnomAD no frequency). This variant has not been reported in the literature in individuals affected with C3-related conditions. Invitae Evidence Modeling of protein sequence and biophysical properties (such as structural, functional, and spatial information, amino acid conservation, physicochemical variation, residue mobility, and thermodynamic stability) indicates that this missense variant is not expected to disrupt C3 protein function with a negative predictive value of 80%. In summary, the available evidence is currently insufficient to determine the role of this variant in disease. Therefore, it has been classified as a Variant of Uncertain Significance.